The following is an entry in ClinVar:

ClinVar aggregate classification (germline): Pathogenic/Likely pathogenic. Review status: criteria provided, multiple submitters, no conflicts (2 of 4 stars). 2 submissions from 2 submitters: Pathogenic (1); Likely pathogenic (1). Last evaluated 2023-09-08.

Conditions:
Familial melanoma. Also called: Hereditary melanoma; Hereditary cutaneous melanoma. Identifiers: Orphanet 618, MedGen C1512419, MONDO:0018961.
Melanoma and neural system tumor syndrome. Also called: MELANOMA-ASTROCYTOMA SYNDROME. Identifiers: Orphanet 252206, MedGen C1835042, MONDO:0007967, OMIM 155755.

Submissions (2):

Baylor Genetics
Classification: Likely pathogenic for Melanoma and neural system tumor syndrome. Last evaluated: 2023-09-08. Review status: criteria provided, single submitter. Criteria: ACMG Guidelines, 2015. Collection method: clinical testing. Allele origin: unknown.

Labcorp Genetics (formerly Invitae), Labcorp
Classification: Pathogenic for Familial melanoma. Last evaluated: 2023-07-14. Review status: criteria provided, single submitter. Criteria: Invitae Variant Classification Sherloc (09022015). Collection method: clinical testing. Allele origin: germline.
Comment: For these reasons, this variant has been classified as Pathogenic. This variant disrupts a region of the CDKN2A (p16INK4a) protein in which other variant(s) (p.Val126Asp) have been determined to be pathogenic (PMID: 7647780, 7987387, 8668202, 10389768, 11595726, 20340136, 23190892, 23371019). This suggests that this is a clinically significant region of the protein, and that variants that disrupt it are likely to be disease-causing. ClinVar contains an entry for this variant (Variation ID: 573002). This variant has not been reported in the literature in individuals affected with CDKN2A (p16INK4a)-related conditions. This variant is not present in population databases (gnomAD no frequency). This sequence change creates a premature translational stop signal (p.Leu121Serfs*26) in the CDKN2A (p16INK4a) gene. While this is not anticipated to result in nonsense mediated decay, it is expected to disrupt the last 36 amino acid(s) of the CDKN2A (p16INK4a) protein.

Literature cited by the submitters: PubMed 7647780 (cited by Labcorp Genetics (formerly Invitae), Labcorp); PubMed 7987387 (cited by Labcorp Genetics (formerly Invitae), Labcorp); PubMed 8668202 (cited by Labcorp Genetics (formerly Invitae), Labcorp); PubMed 10389768 (cited by Labcorp Genetics (formerly Invitae), Labcorp); PubMed 11595726 (cited by Labcorp Genetics (formerly Invitae), Labcorp); PubMed 20340136 (cited by Labcorp Genetics (formerly Invitae), Labcorp); PubMed 23190892 (cited by Labcorp Genetics (formerly Invitae), Labcorp); PubMed 23371019 (cited by Labcorp Genetics (formerly Invitae), Labcorp).

NM_000077.5(CDKN2A):c.359_360dup (p.Leu121fs)

Gene: CDKN2A (cyclin dependent kinase inhibitor 2A; minus strand). Cytogenetic location: 9p21.3.
Variant type: Duplication.
Coding change: c.359_360dup on transcript NM_000077.5; coding-DNA positions 359 to 360, 2 bases duplicated (AG; older notation c.359_360dupAG).
Protein change: p.Leu121fs; shifts the reading frame from leucine 121.
Molecular consequence: frameshift variant (on NM_000077.4). On other transcripts: 3 prime UTR variant (2).
Genome position (GRCh38, 1-based): chr9:21,970,999-21,971,000, CT duplicated on the plus strand (AG on the coding strand, the reverse complement: CDKN2A is on the minus strand); duplicating any 2 consecutive bases within chr9:21,970,999-21,971,001 gives the same sequence; the c. name uses the placement nearest the transcript's 3' end. VCF-style (leftmost placement, unchanged base first): chr9-21970998-G-GCT. GRCh37 (hg19) VCF-style: chr9-21970997-G-GCT.
Other names: c.359_360dupAG (NM_000077.4); c.358_359dup, p.Leu121Serfs (NM_000077.6); c.359_360dup, p.Leu121fs (NM_001195132.2); c.206_207dup, p.Leu70fs (NM_001363763.2); c.*3_*4dup (NM_058195.4); c.*282_*283dup (NM_058197.5); short protein forms L70fs, L121fs.
Identifiers: ClinVar variation 573002 (VCV000573002.9), dbSNP rs1563888944, ClinGen allele CA891842865.
Genomic context (GRCh38, chr9:21,970,998, plus strand): 5'-TACTGCCTCTGGTGCCCCCCGCAGCCGCGCGCAGGTACCGTGCGACATCGCGATGGCCCA[G>GCT]CTCCTCAGCCAGGTCCACGGGCAGACGGCCCCAGGCATCGCGCACGTCCAGCCGCGCCCC-3'